The following is an entry in ClinVar:

ClinVar aggregate classification (germline): Uncertain significance (1 of 4 stars; one submission).

Conditions:
Early-infantile DEE. Also called: Ohtahara syndrome; Early infantile epileptic encephalopathy; Early infantile epileptic encephalopathy with suppression bursts. Identifiers: Orphanet 1934, MedGen C0393706, MONDO:0800491.

Allele frequency attached by ClinVar (database versions not stated): gnomAD exomes 0.00001 and 0.00002; TOPMed 0.00001; gnomAD 0.00002.

Submission:

Labcorp Genetics (formerly Invitae), Labcorp
Classification: Uncertain significance for Early-infantile DEE. Last evaluated: 2023-07-14. Review status: criteria provided, single submitter. Criteria: Invitae Variant Classification Sherloc (09022015). Collection method: clinical testing. Allele origin: germline.
Comment: In summary, the available evidence is currently insufficient to determine the role of this variant in disease. Therefore, it has been classified as a Variant of Uncertain Significance. An algorithm developed to predict the effect of missense changes on protein structure and function (PolyPhen-2) suggests that this variant is likely to be tolerated. ClinVar contains an entry for this variant (Variation ID: 954669). This variant has not been reported in the literature in individuals affected with ARHGEF15-related conditions. This variant is present in population databases (no rsID available, gnomAD 0.009%). This sequence change replaces proline, which is neutral and non-polar, with leucine, which is neutral and non-polar, at codon 699 of the ARHGEF15 protein (p.Pro699Leu).

NM_173728.4(ARHGEF15):c.2096C>T (p.Pro699Leu)

Gene: ARHGEF15 (Rho guanine nucleotide exchange factor 15; plus strand). Cytogenetic location: 17p13.1.
Variant type: single nucleotide variant.
Coding change: c.2096C>T on transcript NM_173728.4 (MANE Select); coding-DNA position 2096, C replaced by T.
Protein change: p.Pro699Leu; replaces proline 699 with leucine.
Molecular consequence: missense variant.
Genome position (GRCh38, 1-based): chr17:8,319,069, C>T. VCF-style: chr17-8319069-C-T. GRCh37 (hg19) VCF-style: chr17-8222387-C-T.
Other names: c.2096C>T, p.Pro699Leu (NM_025014.2); short protein forms P699L.
Identifiers: ClinVar variation 954669 (VCV000954669.8), dbSNP rs934765939, ClinGen allele CA287572478.